The following is an entry in ClinVar:

NM_001382422.1(EXOC3L2):c.1449C>T (p.Gly483=)

Gene: EXOC3L2 (exocyst complex component 3 like 2; minus strand). Cytogenetic location: 19q13.32.
Variant type: single nucleotide variant.
Coding change: c.1449C>T on transcript NM_001382422.1 (MANE Select); coding-DNA position 1449, C replaced by T.
Protein change: p.Gly483=; no amino-acid change (glycine 483 retained).
Molecular consequence: synonymous variant.
Genome position (GRCh38, 1-based): chr19:45,227,997, G>A on the plus strand (C>T on the coding strand, the complement: EXOC3L2 is on the minus strand). VCF-style: chr19-45227997-G-A. GRCh37 (hg19) VCF-style: chr19-45731255-G-A.
Identifiers: ClinVar variation 1439459 (VCV001439459.6), dbSNP rs772308631, ClinGen allele CA9510622.

ClinVar aggregate classification (germline): Uncertain significance (1 of 4 stars; one submission).

Allele frequency attached by ClinVar (database versions not stated): gnomAD 0.00001 and 0.00002; gnomAD exomes 0.00001; ExAC 0.00003; TOPMed 0.00007; 1000 Genomes Project 30x 0.00016.
gnomAD v4.1: 19 of 1,613,776 alleles (0.0012%); highest among the groups gnomAD compares: Admixed American, 0.005%; no homozygotes.

Submission:

Labcorp Genetics (formerly Invitae), Labcorp
Classification: Uncertain significance. Last evaluated: 2022-08-19. Review status: criteria provided, single submitter. Criteria: Invitae Variant Classification Sherloc (09022015). Collection method: clinical testing. Allele origin: germline.
Comment: In summary, the available evidence is currently insufficient to determine the role of this variant in disease. Therefore, it has been classified as a Variant of Uncertain Significance. Algorithms developed to predict the effect of sequence changes on RNA splicing suggest that this variant may create or strengthen a splice site. ClinVar contains an entry for this variant (Variation ID: 1439459). This variant has not been reported in the literature in individuals affected with EXOC3L2-related conditions. This variant is present in population databases (rs772308631, gnomAD 0.003%). This sequence change affects codon 90 of the EXOC3L2 mRNA. It is a 'silent' change, meaning that it does not change the encoded amino acid sequence of the EXOC3L2 protein.